The following is an entry in ClinVar:

ClinVar aggregate classification (germline): Uncertain significance (1 of 4 stars; one submission).

Conditions:
Hereditary cancer-predisposing syndrome. Also called: Hereditary neoplastic syndrome; Neoplastic Syndromes, Hereditary; Tumor predisposition; Hereditary Cancer Syndrome. Identifiers: Orphanet 140162, MedGen C0027672, MeSH D009386, MONDO:0015356.

Submission:

Ambry Genetics
Classification: Uncertain significance for Hereditary cancer-predisposing syndrome. Last evaluated: 2022-06-02. Review status: criteria provided, single submitter. Criteria: Ambry Variant Classification Scheme 2023. Collection method: clinical testing. Allele origin: germline.
Comment: The p.L2780R variant (also known as c.8339T>G), located in coding exon 56 of the ATM gene, results from a T to G substitution at nucleotide position 8339. The leucine at codon 2780 is replaced by arginine, an amino acid with dissimilar properties. This amino acid position is highly conserved in available vertebrate species. In addition, this alteration is predicted to be deleterious by in silico analysis. Since supporting evidence is limited at this time, the clinical significance of this alteration remains unclear.

NM_000051.4(ATM):c.8339T>G (p.Leu2780Arg)

Genes: C11orf65 (chromosome 11 open reading frame 65; minus strand), ATM (ATM serine/threonine kinase; plus strand). Cytogenetic location: 11q22.3.
Variant type: single nucleotide variant.
Coding change: c.8339T>G on transcript NM_000051.4 (MANE Select); coding-DNA position 8339, T replaced by G.
Protein change: p.Leu2780Arg; replaces leucine 2780 with arginine.
Molecular consequence: missense variant. On other transcripts: intron variant (2).
Genome position (GRCh38, 1-based): chr11:108,343,292, T>G. VCF-style: chr11-108343292-T-G. GRCh37 (hg19) VCF-style: chr11-108214019-T-G.
Other names: c.8339T>G, p.Leu2780Arg (NM_001351834.2); c.641-34221A>C (NM_001330368.2); c.695-8000A>C (NM_001351110.2); short protein forms L2780R.
Identifiers: ClinVar variation 1762979 (VCV001762979.2), dbSNP rs2087825562, ClinGen allele CA382516453.
Genomic context (GRCh38, chr11:108,343,292, plus strand): 5'-TCTCTCAGCGAAGTGGTGTTCTTGAATGGTGCACAGGAACTGTCCCCATTGGTGAATTTC[T>G]TGTTAACAATGAAGATGGTGCTCATAAAAGATACAGGCCAAATGATTTCAGTGCCTTTCA-3'
Protein context (NP_000042.3, residues 2770-2790): CTGTVPIGEF[Leu2780Arg]VNNEDGAHKR